The following is an entry in ClinVar:

ClinVar aggregate classification (germline): Uncertain significance. Review status: criteria provided, multiple submitters, no conflicts (2 of 4 stars). 2 submissions from 2 submitters: Uncertain significance (2). Last evaluated 2025-09-25.

Conditions:
Inborn genetic diseases. Identifiers: MedGen C0950123, MeSH D030342.

gnomAD v4.1: 9 of 1,611,132 alleles (0.00056%); highest among the groups gnomAD compares: African/African-American, 0.011%; no homozygotes.

Submissions (2):

Ambry Genetics
Classification: Uncertain significance for Inborn genetic diseases. Last evaluated: 2025-09-25. Review status: criteria provided, single submitter. Criteria: Ambry Variant Classification Scheme 2023. Collection method: clinical testing. Allele origin: germline.

GeneDx
Classification: Uncertain significance. Last evaluated: 2025-03-19. Review status: criteria provided, single submitter. Criteria: GeneDx Variant Classification Process June 2021. Collection method: clinical testing. Allele origin: germline.
Comment: Not observed at significant frequency in large population cohorts (gnomAD); In silico analysis supports that this missense variant has a deleterious effect on protein structure/function; Has not been previously published as pathogenic or benign to our knowledge

NM_005006.7(NDUFS1):c.254C>T (p.Ala85Val)

Gene: NDUFS1 (NADH:ubiquinone oxidoreductase core subunit S1; minus strand). Cytogenetic location: 2q33.3.
Variant type: single nucleotide variant.
Coding change: c.254C>T on transcript NM_005006.7 (MANE Select); coding-DNA position 254, C replaced by T.
Protein change: p.Ala85Val; replaces alanine 85 with valine.
Molecular consequence: missense variant. On other transcripts: intron variant (2).
Genome position (GRCh38, 1-based): chr2:206,149,825, G>A on the plus strand (C>T on the coding strand, the complement: NDUFS1 is on the minus strand). VCF-style: chr2-206149825-G-A. GRCh37 (hg19) VCF-style: chr2-207014549-G-A.
Other names: c.254C>T (NM_005006.6); c.6-1991C>T (NM_001199982.2); c.154-729C>T (NM_001199981.2); c.83C>T, p.Ala28Val (NM_001199983.2); c.296C>T, p.Ala99Val (NM_001199984.2); short protein forms A28V, A85V, A99V.
Identifiers: ClinVar variation 3602900 (VCV003602900.3).